The following is an entry in ClinVar:

NM_001242957.3(MAK):c.1785G>A (p.Thr595=)

Gene: MAK (male germ cell associated kinase; minus strand). Cytogenetic location: 6p24.2.
Variant type: single nucleotide variant.
Coding change: c.1785G>A on transcript NM_001242957.3 (MANE Select); coding-DNA position 1785, G replaced by A.
Protein change: p.Thr595=; no amino-acid change (threonine 595 retained).
Molecular consequence: synonymous variant. On other transcripts: non-coding transcript variant (2), intron variant (2).
Genome position (GRCh38, 1-based): chr6:10,770,118, C>T on the plus strand (G>A on the coding strand, the complement: MAK is on the minus strand). VCF-style: chr6-10770118-C-T. GRCh37 (hg19) VCF-style: chr6-10770351-C-T.
Other names: c.1710G>A, p.Thr570= (NM_005906.6); c.1495+5210G>A (NM_001377262.1); c.1597+5210G>A (NM_001242385.2); c.1785G>A (NM_001242957.2).
Identifiers: ClinVar variation 1085779 (VCV001085779.11), dbSNP rs143121053, ClinGen allele CA3633355.

ClinVar aggregate classification (germline): Likely benign. Review status: criteria provided, multiple submitters, no conflicts (2 of 4 stars). 3 submissions from 3 submitters: Likely benign (3). Last evaluated 2026-01-31.

Conditions:
MAK-related disorder. Also called: MAK-related condition.

Allele frequency attached by ClinVar (database versions not stated): gnomAD exomes 0.00006 and 0.00008; ExAC 0.00008; TOPMed 0.00027; 1000 Genomes Project 30x 0.00031; gnomAD 0.00036 and 0.00039; ESP Exome Variant Server 0.00038; 1000 Genomes Project 0.00040.
gnomAD v4.1: 138 of 1,614,148 alleles (0.0085%); highest among the groups gnomAD compares: African/African-American, 0.11%; no homozygotes.

Submissions (3):

Labcorp Genetics (formerly Invitae), Labcorp
Classification: Likely benign. Last evaluated: 2026-01-31. Review status: criteria provided, single submitter. Criteria: Invitae Variant Classification Sherloc (09022015). Collection method: clinical testing. Allele origin: germline.

PreventionGenetics, part of Exact Sciences
Classification: Likely benign for MAK-related condition. Last evaluated: 2026-01-27. Review status: criteria provided, single submitter. Criteria: ACMG Guidelines, 2015. Collection method: clinical testing. Allele origin: germline.
Comment: This variant is classified as likely benign based on ACMG/AMP sequence variant interpretation guidelines (Richards et al. 2015 PMID: 25741868, with internal and published modifications).

Blueprint Genetics
Classification: Likely benign. Last evaluated: 2024-09-11. Review status: criteria provided, single submitter. Criteria: ACMG Guidelines, 2015. Collection method: clinical testing. Allele origin: germline.